The following is an entry in ClinVar:

NM_018297.4(NGLY1):c.485C>G (p.Ala162Gly)

Gene: NGLY1 (N-glycanase 1; minus strand). Cytogenetic location: 3p24.2.
Variant type: single nucleotide variant.
Coding change: c.485C>G on transcript NM_018297.4 (MANE Select); coding-DNA position 485, C replaced by G.
Protein change: p.Ala162Gly; replaces alanine 162 with glycine.
Molecular consequence: missense variant.
Genome position (GRCh38, 1-based): chr3:25,764,073, G>C on the plus strand (C>G on the coding strand, the complement: NGLY1 is on the minus strand). VCF-style: chr3-25764073-G-C. GRCh37 (hg19) VCF-style: chr3-25805564-G-C.
Other names: c.485C>G, p.Ala162Gly (NM_001145293.2, NM_001145295.2); c.359C>G, p.Ala120Gly (NM_001145294.2); short protein forms A162G, A120G.
Identifiers: ClinVar variation 1432222 (VCV001432222.3), dbSNP rs746042656, ClinGen allele CA351908452.

ClinVar aggregate classification (germline): Uncertain significance (1 of 4 stars; one submission).

Conditions:
Congenital disorder of deglycosylation (CDDG). Identifiers: MedGen C3808991, MONDO:0031376.

Submission:

Labcorp Genetics (formerly Invitae), Labcorp
Classification: Uncertain significance for Congenital disorder of deglycosylation. Last evaluated: 2022-03-19. Review status: criteria provided, single submitter. Criteria: Invitae Variant Classification Sherloc (09022015). Collection method: clinical testing. Allele origin: germline.
Comment: This sequence change replaces alanine, which is neutral and non-polar, with glycine, which is neutral and non-polar, at codon 162 of the NGLY1 protein (p.Ala162Gly). This variant is present in population databases (no rsID available, gnomAD 0.007%). This variant has not been reported in the literature in individuals affected with NGLY1-related conditions. Algorithms developed to predict the effect of missense changes on protein structure and function (SIFT, PolyPhen-2, Align-GVGD) all suggest that this variant is likely to be tolerated. In summary, the available evidence is currently insufficient to determine the role of this variant in disease. Therefore, it has been classified as a Variant of Uncertain Significance.